The following is an entry in ClinVar:

ClinVar aggregate classification (germline): Conflicting classifications of pathogenicity. Review status: criteria provided, conflicting classifications (1 of 4 stars). 11 submissions from 11 submitters: Uncertain significance (1); Benign (1); Likely benign (6). 3 of the submissions do not count toward it. Last evaluated 2026-01-27.

Conditions:
Hereditary cancer-predisposing syndrome. Also called: Tumor predisposition; Hereditary neoplastic syndrome; Hereditary Cancer Syndrome; Neoplastic Syndromes, Hereditary. Identifiers: Orphanet 140162, MedGen C0027672, MeSH D009386, MONDO:0015356.
BRCA1-related disorder. Also called: BRCA1-related condition.
Hereditary breast ovarian cancer syndrome. Also called: Hereditary breast and/or ovarian cancer syndrome; Breast and ovarian cancer; Hereditary breast and ovarian cancer syndrome; Hereditary breast and ovarian cancer; Hereditary breast and ovarian cancer syndrome (HBOC); BRCA1- and BRCA2-Associated Hereditary Breast and Ovarian Cancer. Identifiers: Orphanet 145, MedGen C0677776, MeSH D061325, MONDO:0003582. Disease mechanism: loss of function.
Breast-ovarian cancer, familial, susceptibility to, 1 (BROVCA1). Also called: BRCA1 Hereditary Breast and Ovarian Cancer; OVARIAN CANCER, SUSCEPTIBILITY TO. Identifiers: Orphanet 145, MedGen C2676676, MONDO:0011450, OMIM 604370. Disease mechanism: loss of function.
Malignant tumor of breast. Also called: Malignant breast neoplasm; Cancer breast. Identifiers: MedGen C0006142, MONDO:0007254. Disease mechanism: loss of function.

Allele frequency attached by ClinVar (database versions not stated): gnomAD exomes 0.00001 and 0.00002; ExAC 0.00002; ESP Exome Variant Server 0.00008; gnomAD 0.00010 and 0.00011; TOPMed 0.00014; 1000 Genomes Project 30x 0.00016; 1000 Genomes Project 0.00020.
gnomAD v4.1: 34 of 1,614,214 alleles (0.0021%); highest among the groups gnomAD compares: African/African-American, 0.04%; no homozygotes.

Submissions (12):

Labcorp Genetics (formerly Invitae), Labcorp
Classification: Likely benign for Hereditary breast ovarian cancer syndrome. Last evaluated: 2026-01-27. Review status: criteria provided, single submitter. Criteria: Invitae Variant Classification Sherloc (09022015). Collection method: clinical testing. Allele origin: germline.

Women's Health and Genetics/Laboratory Corporation of America, LabCorp
Classification: Likely benign. Last evaluated: 2025-12-30. Review status: criteria provided, single submitter. Criteria: LabCorp Variant Classification Summary - May 2015. Collection method: clinical testing. Allele origin: germline.
Comment: Variant summary: BRCA1 c.4934G>C (p.Arg1645Thr) results in a non-conservative amino acid change located in the BRCT domain (IPR001357) of the encoded protein sequence. Four of five in-silico tools predict a benign effect of the variant on protein function. The variant allele was found at a frequency of 2e-05 in 251254 control chromosomes. The available data on variant occurrences in the general population are insufficient to allow any conclusion about variant significance. To our knowledge, no occurrence of c.4934G>C in individuals affected with Hereditary Breast And Ovarian Cancer Syndrome has been reported. A co-occurrence with a pathogenic variant has been reported by a ClinVar submitter (BRCA2 unspecified variant), providing supporting evidence for a benign role. Multiple publications report experimental evidence evaluating an impact on protein function (e.g. Woods_2016, Findlay_2018, Fernandes_2019, Bouwman_2020). These results showed no damaging effect of this variant on homology directed repair (HDR) activity. The following publications have been ascertained in the context of this evaluation (PMID: 32546644, 30765603, 30209399, 28781887, Thompson_2016). ClinVar contains an entry for this variant (Variation ID: 142312). Based on the evidence outlined above, the variant was classified as likely benign.

Quest Diagnostics Nichols Institute San Juan Capistrano
Classification: Likely benign. Last evaluated: 2024-12-24. Review status: criteria provided, single submitter. Criteria: Quest Diagnostics criteria. Collection method: clinical testing. Allele origin: unknown.

Mendelics
Classification: Benign for Breast-ovarian cancer, familial, susceptibility to, 1. Last evaluated: 2023-08-22. Review status: criteria provided, single submitter. Criteria: Mendelics Assertion Criteria 2019. Collection method: clinical testing. Allele origin: germline.

Sema4
Classification: Uncertain significance for Hereditary cancer-predisposing syndrome. Last evaluated: 2021-08-20. Review status: criteria provided, single submitter. Criteria: Sema4 Curation Guidelines. Collection method: curation. Allele origin: germline.
Comment: To the best of our knowledge, the BRCA1 c.4934G>C (p.R1645T) variant has not been reported in individuals with hereditary breast and ovarian cancer syndrome-related diseases. Transcriptional activity and cell survival assays have demonstrated the normal function of the protein (PMID: 28781887, 30209399, 30765603). It was observed in 7/24970 chromosomes of the African/African American subpopulation in the large and broad cohorts of the Genome Aggregation Database (PMID: 32461654). The variant has been reported in ClinVar (Variation ID 142312). There is no indication that this variant causes disease, but the evidence is insufficient currently to prove that conclusively. Thus, the clinical significance of this variant is currently uncertain.

GeneDx
Classification: Likely benign. Last evaluated: 2021-01-12. Review status: criteria provided, single submitter. Criteria: GeneDx Variant Classification Process June 2021. Collection method: clinical testing. Allele origin: germline. Affected: yes.
Comment: Not observed at a significant frequency in large population cohorts (Lek et al., 2016); In silico analysis, which includes protein predictors and evolutionary conservation, supports that this variant does not alter protein structure/function; This variant is associated with the following publications: (PMID: 28781887, 30209399)

Ambry Genetics
Classification: Likely benign for Hereditary cancer-predisposing syndrome. Last evaluated: 2018-03-08. Review status: criteria provided, single submitter. Criteria: Ambry Variant Classification Scheme 2023. Collection method: clinical testing. Allele origin: germline.

Color Diagnostics, LLC DBA Color Health
Classification: Likely benign for Hereditary cancer-predisposing syndrome. Last evaluated: 2016-04-25. Review status: criteria provided, single submitter. Criteria: ACMG Guidelines, 2015. Collection method: clinical testing. Allele origin: germline.

PreventionGenetics, part of Exact Sciences
Classification: Likely benign for BRCA1-related condition. Last evaluated: 2023-03-03. Review status: no assertion criteria provided. Collection method: clinical testing. Allele origin: germline. Not counted in ClinVar's aggregate classification.
Comment: This variant is classified as likely benign based on ACMG/AMP sequence variant interpretation guidelines (Richards et al. 2015 PMID: 25741868, with internal and published modifications).

Counsyl
Classification: Uncertain significance for Breast-ovarian cancer, familial, susceptibility to, 1. Last evaluated: 2016-04-06. Review status: no assertion criteria provided. Collection method: clinical testing. Allele origin: unknown. Not counted in ClinVar's aggregate classification.

Brotman Baty Institute, University of Washington
No classification provided (evidence only). Condition: Breast-ovarian cancer, familial 1. Review status: no classification provided. Collection method: in vitro. Allele origin: not applicable. Functional consequence: functionally_normal. Not counted in ClinVar's aggregate classification.
ClinVar note: "not provided" was previously submitted as the classification for the variant. However, the classification appeared to be based only on an observation of functional data so it was converted to no classification on 2025-07-30.

Department of Pathology and Laboratory Medicine, Sinai Health System
Classification: Likely benign for Malignant tumor of breast. Review status: no assertion criteria provided. Collection method: clinical testing. Allele origin: unknown. Affected: yes. Observed: 1 variant allele. Study: The Canadian Open Genetics Repository (COGR). Not counted in ClinVar's aggregate classification.
Comment: The p.Arg1645Thr variant has not been reported in the literature but has been listed in the Exome Variant Server database. The p.Arg1645 residue is not conserved in mammals, and the variant amino acid Threonine (Thr) is present in the opossum and chicken at this position, increasing the likelihood that an alteration to this residue may not have functional significance. Computational analyses (PolyPhen, SIFT, AlignGVGD) do not predict any effect on the protein function, however, this information is not predictive enough to assume pathogenicity. The variant is listed in the dbSNP database (ID#:rs70953661) as coming from a "clinical source" but no frequency information was provided, and so the prevalence of this variant in the population is not known. In summary, based on the above information, the clinical significance of this variant cannot be determined with certainty at this time although we would lean towards a more benign role for this variant. This variant is classified as predicted benign.

Literature cited by the submitters: PubMed 30209399 (cited by 3 submitters); PubMed 28781887 (cited by 4 submitters); PubMed 30765603 (cited by 3 submitters); PubMed 32546644 (cited by Women's Health and Genetics/Laboratory Corporation of America, LabCorp and Quest Diagnostics Nichols Institute San Juan Capistrano); PubMed 36881271 (cited by Quest Diagnostics Nichols Institute San Juan Capistrano); PubMed 39048855 (cited by Quest Diagnostics Nichols Institute San Juan Capistrano); PubMed 35196514 (cited by Quest Diagnostics Nichols Institute San Juan Capistrano); PubMed 29884841 (cited by Quest Diagnostics Nichols Institute San Juan Capistrano).

NM_007294.4(BRCA1):c.4934G>C (p.Arg1645Thr)

Gene: BRCA1 (BRCA1 DNA repair associated; minus strand). Cytogenetic location: 17q21.31.
Variant type: single nucleotide variant.
Coding change: c.4934G>C on transcript NM_007294.4 (MANE Select); coding-DNA position 4934, G replaced by C.
Protein change: p.Arg1645Thr; replaces arginine 1645 with threonine.
Molecular consequence: missense variant. On other transcripts: non-coding transcript variant (1).
Genome position (GRCh38, 1-based): chr17:43,070,980, C>G on the plus strand (G>C on the coding strand, the complement: BRCA1 is on the minus strand). VCF-style: chr17-43070980-C-G. GRCh37 (hg19) VCF-style: chr17-41222997-C-G.
Other names: c.4721G>C, p.Arg1574Thr (NM_001407571.1, NM_001407897.1, NM_001407898.1 and 12 more transcripts); c.5000G>C, p.Arg1667Thr (NM_001407581.1, NM_001407582.1); c.4997G>C, p.Arg1666Thr (NM_001407583.1, NM_001407585.1, NM_001407587.1 and 1 more transcripts); c.4994G>C, p.Arg1665Thr (NM_001407590.1, NM_001407591.1); c.4934G>C, p.Arg1645Thr (NM_001407593.1, NM_001407594.1, NM_001407596.1 and 8 more transcripts); c.4931G>C, p.Arg1644Thr (NM_001407610.1, NM_001407611.1, NM_001407612.1 and 17 more transcripts); c.4928G>C, p.Arg1643Thr (NM_001407627.1, NM_001407628.1, NM_001407629.1 and 14 more transcripts); c.4922G>C, p.Arg1641Thr (NM_001407646.1); and 70 more; short protein forms R1645T, R1598T, R1666T, R541T, R1348T, R1349T, R1476T, R1533T.
Identifiers: ClinVar variation 142312 (VCV000142312.39), dbSNP rs70953661, ClinGen allele CA003087.
Genomic context (GRCh38, chr17:43,070,980, plus strand): 5'-ACACTCACAAATTCTTCTGGGGTCAGGCCAGACACCACCATGGACATTCTTTTGTTGACC[C>G]TTTCTGTTGAAGCTGTCAATTCTGGCTTCTCCCTGCTCACACTTTCTTCCATTGCATTAT-3'
Protein context (NP_009225.1, residues 1635-1655): EKPELTASTE[Arg1645Thr]VNKRMSMVVS